The following is an entry in ClinVar:

NM_002473.6(MYH9):c.3907T>C (p.Phe1303Leu)

Gene: MYH9 (myosin heavy chain 9; minus strand). Cytogenetic location: 22q12.3.
Variant type: single nucleotide variant.
Coding change: c.3907T>C on transcript NM_002473.6 (MANE Select); coding-DNA position 3907, T replaced by C.
Protein change: p.Phe1303Leu; replaces phenylalanine 1303 with leucine.
Molecular consequence: missense variant.
Genome position (GRCh38, 1-based): chr22:36,293,794, A>G on the plus strand (T>C on the coding strand, the complement: MYH9 is on the minus strand). VCF-style: chr22-36293794-A-G. GRCh37 (hg19) VCF-style: chr22-36689840-A-G.
Other names: short protein forms F1303L.
Identifiers: ClinVar variation 2770775 (VCV002770775.3), dbSNP rs2517960534, ClinGen allele CA411385270.
Genomic context (GRCh38, chr22:36,293,794, plus strand): 5'-TCTGGGAACCTGGCGCCACCCCTACCTGAGTGTCCTGCAGCTGGGACTCCAGCGCGGAGA[A>G]GTCCTTGGTGAGCTTGCTGGACTTGCTGTCGGACTGGCTGAGAAGCCCGGTCACGTTGTC-3'
Protein context (NP_002464.1, residues 1293-1313): DSKSSKLTKD[Phe1303Leu]SALESQLQDT

ClinVar aggregate classification (germline): Uncertain significance (1 of 4 stars; one submission).

Submission:

Labcorp Genetics (formerly Invitae), Labcorp
Classification: Uncertain significance. Last evaluated: 2023-10-22. Review status: criteria provided, single submitter. Criteria: Invitae Variant Classification Sherloc (09022015). Collection method: clinical testing. Allele origin: germline.
Comment: This sequence change replaces phenylalanine, which is neutral and non-polar, with leucine, which is neutral and non-polar, at codon 1303 of the MYH9 protein (p.Phe1303Leu). This variant is not present in population databases (gnomAD no frequency). This missense change has been observed in individual(s) with deafness (PMID: 27393652). Advanced modeling of protein sequence and biophysical properties (such as structural, functional, and spatial information, amino acid conservation, physicochemical variation, residue mobility, and thermodynamic stability) performed at Invitae indicates that this missense variant is not expected to disrupt MYH9 protein function with a negative predictive value of 95%. In summary, the available evidence is currently insufficient to determine the role of this variant in disease. Therefore, it has been classified as a Variant of Uncertain Significance.

Literature cited by the submitters: PubMed 27393652.